The following is an entry in ClinVar:

NM_001401501.2(MUC16):c.43527T>G (p.Leu14509=)

Gene: MUC16 (mucin 16, cell surface associated; minus strand). Cytogenetic location: 19p13.2.
Variant type: single nucleotide variant.
Coding change: c.43527T>G on transcript NM_001401501.2 (MANE Select); coding-DNA position 43527, T replaced by G.
Protein change: p.Leu14509=; no amino-acid change (leucine 14509 retained).
Molecular consequence: synonymous variant.
Genome position (GRCh38, 1-based): chr19:8,886,745, A>C on the plus strand (T>G on the coding strand, the complement: MUC16 is on the minus strand). VCF-style: chr19-8886745-A-C. GRCh37 (hg19) VCF-style: chr19-8997421-A-C.
Other names: c.43953T>G, p.Leu14651= (NM_001414686.1); c.43407T>G, p.Leu14469= (NM_001414687.1); c.41001T>G, p.Leu13667= (NM_024690.2).
Identifiers: ClinVar variation 3055660 (VCV003055660.2), dbSNP rs796124584, ClinGen allele CA305064312.

ClinVar aggregate classification (germline): Likely benign (0 of 4 stars; one submission).

Conditions:
MUC16-related disorder. Also called: MUC16-related condition.

Submission:

PreventionGenetics, part of Exact Sciences
Classification: Likely benign for MUC16-related condition. Last evaluated: 2019-10-17. Review status: no assertion criteria provided. Collection method: clinical testing. Allele origin: germline.
Comment: This variant is classified as likely benign based on ACMG/AMP sequence variant interpretation guidelines (Richards et al. 2015 PMID: 25741868, with internal and published modifications).